The following is an entry in ClinVar:

NM_004415.4(DSP):c.2635del (p.Trp879fs)

Gene: DSP (desmoplakin; plus strand). Cytogenetic location: 6p24.3.
Variant type: Deletion.
Coding change: c.2635del on transcript NM_004415.4 (MANE Select); coding-DNA position 2635, one base deleted (T; older notation c.2635delT).
Protein change: p.Trp879fs; shifts the reading frame from tryptophan 879.
Molecular consequence: frameshift variant.
Genome position (GRCh38, 1-based): chr6:7,576,298, T deleted. VCF-style (leftmost placement, unchanged base first): chr6-7576297-AT-A. GRCh37 (hg19) VCF-style: chr6-7576530-AT-A.
Other names: c.2635del, p.Trp879fs (NM_001008844.3, NM_001319034.2); short protein forms W879fs.
Identifiers: ClinVar variation 4532035 (VCV004532035.1).

ClinVar aggregate classification (germline): Pathogenic (1 of 4 stars; one submission).

Conditions:
Cardiomyopathy (CMYO). Also called: Cardiomyopathies. Identifiers: Orphanet 167848, MedGen C0878544, MONDO:0004994, HP:0001638. Inheritance: Various modes of inheritance.

Submission:

Victorian Clinical Genetics Services, Murdoch Childrens Research Institute
Classification: Pathogenic for Cardiomyopathy. Last evaluated: 2025-01-14. Review status: criteria provided, single submitter. Criteria: ACMG Guidelines, 2015. Collection method: clinical testing. Allele origin: germline. Affected: yes.
Comment: This variant is classified as Pathogenic. Evidence in support of pathogenic classification: Variant is predicted to cause nonsense-mediated decay (NMD) and loss of protein (premature termination codon is located at least 54 nucleotides upstream of the final exon-exon junction); Variant is absent from gnomAD (v2, v3 and v4); Other NMD-predicted variant(s) comparable to the one identified in this case have very strong previous evidence for pathogenicity (DECIPHER). Additional information: This variant is heterozygous; This gene is associated with both recessive and dominant disease. Variants in this gene are usually inherited in a dominant manner, however rare reports of recessive inheritance have resulted in a more severe cardiac phenotype (OMIM); This variant has no previous evidence of pathogenicity; Loss of function is a known mechanism of disease in this gene and is associated with arrhythmogenic right ventricular dysplasia 8 (MIM#607450) and other DSP-related cardiac disorders; The condition associated with this gene has incomplete penetrance. In families with cardiomyopathies, reduced penetrance has been reported among family members aged 60-86 years (PMID: 36580316); Variants in this gene are known to have variable expressivity. Age-dependent penetrance and variable expressivity are well-described aspects of arrhythmogenic cardiomyopathy (PMID: 29062697); Inheritance information for this variant is not currently available in this individual.

Literature cited by the submitters: PubMed 36580316; PubMed 29062697.